The following is an entry in ClinVar:

NM_021076.4(NEFH):c.2800G>T (p.Asp934Tyr)

Gene: NEFH (neurofilament heavy chain; plus strand). Cytogenetic location: 22q12.2.
Variant type: single nucleotide variant.
Coding change: c.2800G>T on transcript NM_021076.4 (MANE Select); coding-DNA position 2800, G replaced by T.
Protein change: p.Asp934Tyr; replaces aspartic acid 934 with tyrosine.
Molecular consequence: missense variant.
Genome position (GRCh38, 1-based): chr22:29,490,440, G>T. VCF-style: chr22-29490440-G-T. GRCh37 (hg19) VCF-style: chr22-29886429-G-T.
Other names: short protein forms D934Y.
Identifiers: ClinVar variation 3617665 (VCV003617665.2).

ClinVar aggregate classification (germline): Uncertain significance (1 of 4 stars; one submission).

gnomAD v4.1: 2 of 1,604,898 alleles (0.00012%); highest among the groups gnomAD compares: Non-Finnish European, 0.000085%; no homozygotes.

Submission:

Labcorp Genetics (formerly Invitae), Labcorp
Classification: Uncertain significance. Last evaluated: 2024-06-25. Review status: criteria provided, single submitter. Criteria: Invitae Variant Classification Sherloc (09022015). Collection method: clinical testing. Allele origin: germline.
Comment: This sequence change replaces aspartic acid, which is acidic and polar, with tyrosine, which is neutral and polar, at codon 934 of the NEFH protein (p.Asp934Tyr). This variant is not present in population databases (gnomAD no frequency). This variant has not been reported in the literature in individuals affected with NEFH-related conditions. Advanced modeling of protein sequence and biophysical properties (such as structural, functional, and spatial information, amino acid conservation, physicochemical variation, residue mobility, and thermodynamic stability) performed at Invitae indicates that this missense variant is not expected to disrupt NEFH protein function with a negative predictive value of 95%. In summary, the available evidence is currently insufficient to determine the role of this variant in disease. Therefore, it has been classified as a Variant of Uncertain Significance.